The following is an entry in ClinVar:

NM_207391.3(RGS9BP):c.386T>C (p.Leu129Pro)

Gene: RGS9BP (regulator of G protein signaling 9 binding protein; plus strand). Cytogenetic location: 19q13.11.
Variant type: single nucleotide variant.
Coding change: c.386T>C on transcript NM_207391.3 (MANE Select); coding-DNA position 386, T replaced by C.
Protein change: p.Leu129Pro; replaces leucine 129 with proline.
Molecular consequence: missense variant.
Genome position (GRCh38, 1-based): chr19:32,676,649, T>C. VCF-style: chr19-32676649-T-C. GRCh37 (hg19) VCF-style: chr19-33167555-T-C.
Other names: short protein forms L129P.
Identifiers: ClinVar variation 2102600 (VCV002102600.3), dbSNP rs1353324414, ClinGen allele CA405186619.

ClinVar aggregate classification (germline): Uncertain significance (1 of 4 stars; one submission).

Allele frequency attached by ClinVar (database versions not stated): gnomAD 0.00001; TOPMed 0.00001; gnomAD exomes 0.00002.

Submission:

Labcorp Genetics (formerly Invitae), Labcorp
Classification: Uncertain significance. Last evaluated: 2022-11-15. Review status: criteria provided, single submitter. Criteria: Invitae Variant Classification Sherloc (09022015). Collection method: clinical testing. Allele origin: germline.
Comment: In summary, the available evidence is currently insufficient to determine the role of this variant in disease. Therefore, it has been classified as a Variant of Uncertain Significance. Algorithms developed to predict the effect of missense changes on protein structure and function are either unavailable or do not agree on the potential impact of this missense change (SIFT: "Deleterious"; PolyPhen-2: "Probably Damaging"; Align-GVGD: "Class C0"). This variant has not been reported in the literature in individuals affected with RGS9BP-related conditions. This variant is present in population databases (no rsID available, gnomAD 0.01%). This sequence change replaces leucine, which is neutral and non-polar, with proline, which is neutral and non-polar, at codon 129 of the RGS9BP protein (p.Leu129Pro).